The following is an entry in ClinVar:

ClinVar aggregate classification (germline): Uncertain significance (1 of 4 stars; one submission).

Conditions:
Alpha thalassemia-X-linked intellectual disability syndrome (ATRX). Also called: ALPHA-THALASSEMIA/MENTAL RETARDATION SYNDROME, X-LINKED; ATR, NONDELETION TYPE; ATR-X syndrome; Alpha thalassemia mental retardation syndrome, nondeletion type, X-linked; XLMR hypotonic face syndrome; X-linked alpha-thalassemia-mental retardation syndrome. Identifiers: Orphanet 847, MedGen C1845055, MONDO:0010519, OMIM 301040.

Allele frequency attached by ClinVar (database versions not stated): gnomAD exomes below 0.00001.
gnomAD v4.1: 1 of 1,210,995 alleles (0.000083%); highest among the groups gnomAD compares: Non-Finnish European, 0.00011%; no homozygotes.

Submission:

Labcorp Genetics (formerly Invitae), Labcorp
Classification: Uncertain significance for Alpha thalassemia-X-linked intellectual disability syndrome. Last evaluated: 2022-10-13. Review status: criteria provided, single submitter. Criteria: Invitae Variant Classification Sherloc (09022015). Collection method: clinical testing. Allele origin: germline.
Comment: In summary, the available evidence is currently insufficient to determine the role of this variant in disease. Therefore, it has been classified as a Variant of Uncertain Significance. Advanced modeling of protein sequence and biophysical properties (such as structural, functional, and spatial information, amino acid conservation, physicochemical variation, residue mobility, and thermodynamic stability) performed at Invitae indicates that this missense variant is not expected to disrupt ATRX protein function. This variant has not been reported in the literature in individuals affected with ATRX-related conditions. This variant is not present in population databases (gnomAD no frequency). This sequence change replaces asparagine, which is neutral and polar, with serine, which is neutral and polar, at codon 2321 of the ATRX protein (p.Asn2321Ser).

NM_000489.6(ATRX):c.6962A>G (p.Asn2321Ser)

Gene: ATRX (ATRX chromatin remodeler; minus strand). Cytogenetic location: Xq21.1.
Variant type: single nucleotide variant.
Coding change: c.6962A>G on transcript NM_000489.6 (MANE Select); coding-DNA position 6962, A replaced by G.
Protein change: p.Asn2321Ser; replaces asparagine 2321 with serine.
Molecular consequence: missense variant.
Genome position (GRCh38, 1-based): chrX:77,522,276, T>C on the plus strand (A>G on the coding strand, the complement: ATRX is on the minus strand). VCF-style: chrX-77522276-T-C. GRCh37 (hg19) VCF-style: chrX-76777754-T-C.
Other names: c.6848A>G, p.Asn2283Ser (NM_138270.5); short protein forms N2321S, N2283S.
Identifiers: ClinVar variation 1987291 (VCV001987291.4), dbSNP rs2520019569, ClinGen allele CA413708408.